The following is an entry in ClinVar:

NM_000352.6(ABCC8):c.4051G>A (p.Val1351Met)

Gene: ABCC8 (ATP binding cassette subfamily C member 8; minus strand). Cytogenetic location: 11p15.1.
Variant type: single nucleotide variant.
Coding change: c.4051G>A on transcript NM_000352.6 (MANE Select); coding-DNA position 4051, G replaced by A.
Protein change: p.Val1351Met; replaces valine 1351 with methionine.
Molecular consequence: missense variant. On other transcripts: non-coding transcript variant (1).
Genome position (GRCh38, 1-based): chr11:17,396,984, C>T on the plus strand (G>A on the coding strand, the complement: ABCC8 is on the minus strand). VCF-style: chr11-17396984-C-T. GRCh37 (hg19) VCF-style: chr11-17418531-C-T.
Other names: c.4051G>A (NM_000352.3); c.4054G>A, p.Val1352Met (NM_001287174.3); c.4117G>A, p.Val1373Met (NM_001351295.2); c.4051G>A, p.Val1351Met (NM_001351296.2); c.4048G>A, p.Val1350Met (NM_001351297.2); short protein forms V1351M, V1352M, V1373M, V1350M.
Identifiers: ClinVar variation 587515 (VCV000587515.10), dbSNP rs149331388, ClinGen allele CA5902593.

ClinVar aggregate classification (germline): Uncertain significance. Review status: criteria provided, multiple submitters, no conflicts (2 of 4 stars). 5 submissions from 4 submitters: Uncertain significance (5). Last evaluated 2025-04-22.

Conditions:
Inborn genetic diseases. Identifiers: MedGen C0950123, MeSH D030342.
Maturity-onset diabetes of the young (MODY). Also called: Maturity onset diabetes mellitus in young. Identifiers: Orphanet 552, MedGen C0342276, MONDO:0018911, HP:0004904.
Transitory neonatal diabetes mellitus. Also called: Transient neonatal diabetes mellitus. Identifiers: MedGen C0342273, MONDO:0020525, HP:0008255.
Familial hyperinsulinism. Also called: Congenital hyperinsulinism. Identifiers: Orphanet 276525, MedGen C3888018, MONDO:0017182. Disease mechanism: loss of function.

Allele frequency attached by ClinVar (database versions not stated): gnomAD exomes below 0.00001; ExAC 0.00001; gnomAD 0.00001 and 0.00003; TOPMed 0.00006; ESP Exome Variant Server 0.00008.
gnomAD v4.1: 11 of 1,614,104 alleles (0.00068%); highest among the groups gnomAD compares: South Asian, 0.0011%; no homozygotes.

Submissions (5):

Ambry Genetics
Classification: Uncertain significance for Inborn genetic diseases. Last evaluated: 2025-04-22. Review status: criteria provided, single submitter. Criteria: Ambry Variant Classification Scheme 2023. Collection method: clinical testing. Allele origin: germline.
Comment: The p.V1351M variant (also known as c.4051G>A), located in coding exon 33 of the ABCC8 gene, results from a G to A substitution at nucleotide position 4051. The valine at codon 1351 is replaced by methionine, an amino acid with highly similar properties. This amino acid position is conserved. In addition, the in silico prediction for this alteration is inconclusive. Based on the available evidence, the clinical significance of this variant remains unclear.

Genomic Research Center, Shahid Beheshti University of Medical Sciences
Classification: Uncertain significance for Familial hyperinsulinism. Last evaluated: 2024-02-12. Review status: criteria provided, single submitter. Criteria: ACMG Guidelines, 2015. Collection method: clinical testing. Allele origin: inherited. Affected: yes. Observed: 1 variant allele.

Mendelics
Classification: Uncertain significance. Last evaluated: 2022-05-04. Review status: criteria provided, single submitter. Criteria: Mendelics Assertion Criteria 2019. Collection method: clinical testing. Allele origin: germline.

Clinical Genomics, Uppaluri K&H Personalized Medicine Clinic
Classification: Uncertain significance for Maturity-onset diabetes of the young. Review status: criteria provided, single submitter. Criteria: K & H Uppaluri Personalized Medicine Clinic Variant Classification & Assertion Criteria_Updated V.1. Collection method: research. Allele origin: somatic. Inheritance: Somatic mutation.
Comment: Mutations in ABCC8 gene are associated with both neonatal diabetes mellitus as well as MODY. Patients with this mutation may have a better response to sulfonylureas. However, no sufficient evidence is found to ascertain the role of this particular variant (rs149331388) in MODY yet.

Clinical Genomics, Uppaluri K&H Personalized Medicine Clinic
Classification: Uncertain significance for Transitory neonatal diabetes mellitus. Review status: criteria provided, single submitter. Criteria: K & H Uppaluri Personalized Medicine Clinic Variant Classification & Assertion Criteria_Updated V.1. Collection method: research. Allele origin: somatic. Inheritance: Somatic mutation.
Comment: Mutations in ABCC8 gene are associated with both neonatal diabetes mellitus as well as MODY. Patients with this mutation may have a better response to sulfonylureas. However, no sufficient evidence is found to ascertain the role of this particular variant (rs149331388) in neonatal diabetes yet.

Literature cited by the submitters: PubMed 16885549 (cited by Clinical Genomics, Uppaluri K&H Personalized Medicine Clinic); PubMed 21989597 (cited by Clinical Genomics, Uppaluri K&H Personalized Medicine Clinic); PubMed 27538677 (cited by Clinical Genomics, Uppaluri K&H Personalized Medicine Clinic); PubMed 18981553 (cited by Clinical Genomics, Uppaluri K&H Personalized Medicine Clinic); PubMed 32027066 (cited by Clinical Genomics, Uppaluri K&H Personalized Medicine Clinic); PubMed 16613899 (cited by Clinical Genomics, Uppaluri K&H Personalized Medicine Clinic); PubMed 18025408 (cited by Clinical Genomics, Uppaluri K&H Personalized Medicine Clinic); PubMed 32792356 (cited by Clinical Genomics, Uppaluri K&H Personalized Medicine Clinic).